The following is an entry in ClinVar:

ClinVar aggregate classification (germline): Likely pathogenic (1 of 4 stars; one submission).

Conditions:
Anemia, nonspherocytic hemolytic, due to G6PD deficiency (CNSHA1). Also called: Hemolytic anemia due to G6PD deficiency; Class I glucose-6-phosphate dehydrogenase deficiency; Favism, susceptibility to; ANEMIA, CONGENITAL, NONSPHEROCYTIC HEMOLYTIC, 1. Identifiers: Orphanet 466026, MedGen C2720289, MONDO:0010480, OMIM 300908.

Submission:

Dunham Lab, University of Washington
Classification: Likely pathogenic for Anemia, nonspherocytic hemolytic, due to G6PD deficiency. Last evaluated: 2024-09-01. Review status: criteria provided, single submitter. Criteria: ACMG Guidelines, 2015. Collection method: curation. Allele origin: unknown. Affected: yes.
Comment: Decreased activity reported in RBCs (PS3). Predicted to be disease-causing by Mutation Taster, probably damaging by PolyPhen-2, and deleterious by SIFT; site is highly conserved amongst mammals (PP3). Not found in gnomAD (PM2). Patients present with deficiency (PP4). Post_P 0.975 (odds of pathogenicity 350.3, Prior_P 0.1).

Literature cited by the submitters: PubMed 36212142.

NM_001360016.2(G6PD):c.982G>A (p.Val328Met)

Gene: G6PD (glucose-6-phosphate dehydrogenase; minus strand). Cytogenetic location: Xq28.
Variant type: single nucleotide variant.
Coding change: c.982G>A on transcript NM_001360016.2 (MANE Select); coding-DNA position 982, G replaced by A.
Protein change: p.Val328Met; replaces valine 328 with methionine.
Molecular consequence: missense variant.
Genome position (GRCh38, 1-based): chrX:154,533,011, C>T on the plus strand (G>A on the coding strand, the complement: G6PD is on the minus strand). VCF-style: chrX-154533011-C-T. GRCh37 (hg19) VCF-style: chrX-153761226-C-T.
Other names: c.1072G>A, p.Val358Met (NM_000402.4); c.982G>A, p.Val328Met (NM_001042351.3); short protein forms V328M, V358M.
Identifiers: ClinVar variation 3339510 (VCV003339510.1).